The following is an entry in ClinVar:

ClinVar aggregate classification (germline): Uncertain significance (1 of 4 stars; one submission).

Conditions:
Inflammatory bowel disease 28. Also called: Inflammatory bowel disease 28, early onset, autosomal recessive. Identifiers: Orphanet 238569, MedGen C2751053, MONDO:0013153, OMIM 613148.

Allele frequency attached by ClinVar (database versions not stated): ExAC 0.00001; gnomAD 0.00001 and 0.00002; gnomAD exomes 0.00001; TOPMed 0.00002.
gnomAD v4.1: 14 of 1,613,930 alleles (0.00087%); highest among the groups gnomAD compares: East Asian, 0.0022%; no homozygotes.

Submission:

Labcorp Genetics (formerly Invitae), Labcorp
Classification: Uncertain significance for Inflammatory bowel disease 28. Last evaluated: 2022-08-23. Review status: criteria provided, single submitter. Criteria: Invitae Variant Classification Sherloc (09022015). Collection method: clinical testing. Allele origin: germline.
Comment: In summary, the available evidence is currently insufficient to determine the role of this variant in disease. Therefore, it has been classified as a Variant of Uncertain Significance. Algorithms developed to predict the effect of missense changes on protein structure and function are either unavailable or do not agree on the potential impact of this missense change (SIFT: "Tolerated"; PolyPhen-2: "Possibly Damaging"; Align-GVGD: "Class C0"). ClinVar contains an entry for this variant (Variation ID: 851842). This variant has not been reported in the literature in individuals affected with IL10RA-related conditions. This variant is present in population databases (rs763599491, gnomAD 0.003%). This sequence change replaces proline, which is neutral and non-polar, with leucine, which is neutral and non-polar, at codon 275 of the IL10RA protein (p.Pro275Leu).

NM_001558.4(IL10RA):c.824C>T (p.Pro275Leu)

Gene: IL10RA (interleukin 10 receptor subunit alpha; plus strand). Cytogenetic location: 11q23.3.
Variant type: single nucleotide variant.
Coding change: c.824C>T on transcript NM_001558.4 (MANE Select); coding-DNA position 824, C replaced by T.
Protein change: p.Pro275Leu; replaces proline 275 with leucine.
Molecular consequence: missense variant. On other transcripts: non-coding transcript variant (1).
Genome position (GRCh38, 1-based): chr11:117,998,728, C>T. VCF-style: chr11-117998728-C-T. GRCh37 (hg19) VCF-style: chr11-117869443-C-T.
Other names: short protein forms P275L.
Identifiers: ClinVar variation 851842 (VCV000851842.8), dbSNP rs763599491, ClinGen allele CA6299074.